The following is an entry in ClinVar:

NM_003952.3(RPS6KB2):c.*7G>T

Gene: RPS6KB2 (ribosomal protein S6 kinase B2; plus strand). Cytogenetic location: 11q13.2.
Variant type: single nucleotide variant.
Coding change: c.*7G>T on transcript NM_003952.3 (MANE Select); 7 bases downstream of the stop codon, G replaced by T.
Molecular consequence: 3 prime UTR variant.
Genome position (GRCh38, 1-based): chr11:67,435,176, G>T. VCF-style: chr11-67435176-G-T. GRCh37 (hg19) VCF-style: chr11-67202647-G-T.
Identifiers: ClinVar variation 3036897 (VCV003036897.2), dbSNP rs369016630, ClinGen allele CA224175884.

ClinVar aggregate classification (germline): Likely benign (0 of 4 stars; one submission).

Conditions:
RPS6KB2-related disorder. Also called: RPS6KB2-related condition.

Submission:

PreventionGenetics, part of Exact Sciences
Classification: Likely benign for RPS6KB2-related condition. Last evaluated: 2023-09-13. Review status: no assertion criteria provided. Collection method: clinical testing. Allele origin: germline.
Comment: This variant is classified as likely benign based on ACMG/AMP sequence variant interpretation guidelines (Richards et al. 2015 PMID: 25741868, with internal and published modifications).